The following is an entry in ClinVar:

NM_001042492.3(NF1):c.8394C>T (p.Asn2798=)

Gene: NF1 (neurofibromin 1; plus strand). Cytogenetic location: 17q11.2.
Variant type: single nucleotide variant.
Coding change: c.8394C>T on transcript NM_001042492.3 (MANE Select); coding-DNA position 8394, C replaced by T.
Protein change: p.Asn2798=; no amino-acid change (asparagine 2798 retained).
Molecular consequence: synonymous variant.
Genome position (GRCh38, 1-based): chr17:31,374,029, C>T. VCF-style: chr17-31374029-C-T. GRCh37 (hg19) VCF-style: chr17-29701047-C-T.
Other names: c.8331C>T, p.Asn2777= (NM_000267.4).
Identifiers: ClinVar variation 184302 (VCV000184302.16), dbSNP rs376136174, ClinGen allele CA188540.
Genomic context (GRCh38, chr17:31,374,029, plus strand): 5'-TGGAAGGAAAAGAAGAAGTAACTGGCTGTTCTCTTTTTCTCCAGGAATCGACAAGGAGAA[C>T]GTTGAACTCTCCCCTACCACTGGCCACTGTAACAGTGGACGAACTCGCCACGGATCCGCA-3'
Protein context (NP_001035957.1, residues 2788-2808): SQHSPGIDKE[Asn2798=]VELSPTTGHC

ClinVar aggregate classification (germline): Benign/Likely benign. Review status: criteria provided, multiple submitters, no conflicts (2 of 4 stars). 6 submissions from 6 submitters: Benign (1); Likely benign (5). Last evaluated 2026-05-22.

Conditions:
Hereditary cancer-predisposing syndrome. Also called: Tumor predisposition; Hereditary neoplastic syndrome; Neoplastic Syndromes, Hereditary; Hereditary Cancer Syndrome. Identifiers: Orphanet 140162, MedGen C0027672, MeSH D009386, MONDO:0015356.
Neurofibromatosis, type 1 (NF1). Also called: Neurofibromatosis, type I; NEUROFIBROMATOSIS, TYPE I, SOMATIC; VON RECKLINGHAUSEN DISEASE; Peripheral type neurofibromatosis. Identifiers: Orphanet 636, MedGen C0027831, MONDO:0018975, OMIM 162200. Disease mechanism: loss of function.

Allele frequency attached by ClinVar (database versions not stated): gnomAD exomes 0.00002; ESP Exome Variant Server 0.00008; gnomAD 0.00003; TOPMed 0.00004; ExAC 0.00002.
gnomAD v4.1: 41 of 1,613,934 alleles (0.0025%); highest among the groups gnomAD compares: Non-Finnish European, 0.0031%; no homozygotes.

Submissions (6):

Myriad Genetics, Inc.
Classification: Benign for Neurofibromatosis, type 1. Last evaluated: 2026-05-22. Review status: criteria provided, single submitter. Criteria: Myriad Autosomal Dominant, Autosomal Recessive and X-Linked Classification Criteria (2023). Collection method: clinical testing. Allele origin: unknown.
Comment: This variant is considered benign. This variant is a silent/synonymous amino acid change and it is not expected to impact splicing.

Labcorp Genetics (formerly Invitae), Labcorp
Classification: Likely benign for Neurofibromatosis, type 1. Last evaluated: 2025-09-19. Review status: criteria provided, single submitter. Criteria: Invitae Variant Classification Sherloc (09022015). Collection method: clinical testing. Allele origin: germline.

Genome-Nilou Lab
Classification: Likely benign for Neurofibromatosis, type 1. Last evaluated: 2022-03-15. Review status: criteria provided, single submitter. Criteria: ACMG Guidelines, 2015. Collection method: clinical testing. Allele origin: germline. Affected: no.

Women's Health and Genetics/Laboratory Corporation of America, LabCorp
Classification: Likely benign. Last evaluated: 2021-07-19. Review status: criteria provided, single submitter. Criteria: LabCorp Variant Classification Summary - May 2015. Collection method: clinical testing. Allele origin: germline.

GeneDx
Classification: Likely benign. Last evaluated: 2020-03-23. Review status: criteria provided, single submitter. Criteria: GeneDx Variant Classification Process June 2021. Collection method: clinical testing. Allele origin: germline. Affected: yes.

Ambry Genetics
Classification: Likely benign for Hereditary cancer-predisposing syndrome. Last evaluated: 2014-10-14. Review status: criteria provided, single submitter. Criteria: Ambry Autosomal Dominant and X-Linked criteria (10/2015). Collection method: clinical testing. Allele origin: germline. Observed: 1 variant allele.